The following is an entry in ClinVar:

ClinVar aggregate classification (germline): Pathogenic (1 of 4 stars; one submission).

Submission:

ISCA Site 6
Classification: Pathogenic. Last evaluated: 2011-08-12. Review status: criteria provided, single submitter. Criteria: Kaminsky et al. (Genet Med. 2011). Collection method: clinical testing. Allele origin: de novo. Affected: yes. Observed: 1 variant allele.
Comment: Copy number variation identified through the course of routine clinical cytogenomic testing in postnatal populations. Clinical assertions have been curated as described in Kaminsky et al. 2011.

GRCh38/hg38 16p11.2(chr16:29566441-30187279)x1

Genes: ALDOA (aldolase, fructose-bisphosphate A; plus strand), ASPHD1 (aspartate beta-hydroxylase domain containing 1; plus strand), C16orf54 (chromosome 16 open reading frame 54; minus strand), CDIPT (CDP-diacylglycerol--inositol 3-phosphatidyltransferase; minus strand), CDIPTOSP (CDIP transferase opposite strand, pseudogene; plus strand) and 104 more. Cytogenetic location: 16p11.2.
Variant type: copy number loss.
Change: copy number 1 (one copy instead of two) of chr16:29,566,441-30,187,279 (620.8 kb, GRCh38 coordinates, 1-based), cytogenetic band 16p11.2.
Identifiers: ClinVar variation 60376 (VCV000060376.2).